The following is an entry in ClinVar:

NM_006767.4(LZTR1):c.263+4_263+23del

Gene: LZTR1 (leucine zipper like post translational regulator 1; plus strand). Cytogenetic location: 22q11.21.
Variant type: Deletion.
Coding change: c.263+4_263+23del on transcript NM_006767.4 (MANE Select); bases 4 to 23 of the intron after coding-DNA position 263, 20 bases deleted (AGTGAGTCTCAGCATCAGTG).
Molecular consequence: splice donor variant.
Genome position (GRCh38, 1-based): chr22:20,983,093-20,983,112, AGTGAGTCTCAGCATCAGTG deleted; deleting any 20 consecutive bases within chr22:20,983,090-20,983,112 gives the same sequence; the c. name uses the placement nearest the transcript's 3' end. VCF-style (leftmost placement, unchanged base first): chr22-20983089-GGTGAGTGAGTCTCAGCATCA-G. GRCh37 (hg19) VCF-style: chr22-21337378-GGTGAGTGAGTCTCAGCATCA-G.
Identifiers: ClinVar variation 1063869 (VCV001063869.7), dbSNP rs2147957435, ClinGen allele CA916079892.
Genomic context (GRCh38, chr22:20,983,089, plus strand): 5'-GCAGCAAGCACACAGTGGTGGCCTATAAAGATGCCATTTATGTATTTGGTGGAGACAATG[GGTGAGTGAGTCTCAGCATCA>G]GTGTTTGGACCAGGTAGGGAGAAGTACTGTGGTCAGGGACTGGGCCTGTCCAGCTCCATT-3'

ClinVar aggregate classification (germline): Uncertain significance (1 of 4 stars; one submission).

Submission:

Labcorp Genetics (formerly Invitae), Labcorp
Classification: Uncertain significance. Last evaluated: 2020-06-01. Review status: criteria provided, single submitter. Criteria: Invitae Variant Classification Sherloc (09022015). Collection method: clinical testing. Allele origin: germline.
Comment: This sequence change falls in intron 2 of the LZTR1 gene. It does not directly change the encoded amino acid sequence of the LZTR1 protein, but it affects a nucleotide within the consensus splice site of the intron. This variant is not present in population databases (ExAC no frequency). This variant has not been reported in the literature in individuals with LZTR1-related conditions. Nucleotide substitutions within the consensus splice site are a relatively common cause of aberrant splicing (PMID: 17576681, 9536098). Algorithms developed to predict the effect of sequence changes on RNA splicing suggest that this variant may disrupt the consensus splice site, but this prediction has not been confirmed by published transcriptional studies. In summary, the available evidence is currently insufficient to determine the role of this variant in disease. Therefore, it has been classified as a Variant of Uncertain Significance.

Literature cited by the submitters: PubMed 17576681; PubMed 9536098.